The following is an entry in ClinVar:

NM_000264.5(PTCH1):c.431G>T (p.Arg144Leu)

Gene: PTCH1 (patched 1; minus strand). Cytogenetic location: 9q22.32.
Variant type: single nucleotide variant.
Coding change: c.431G>T on transcript NM_000264.5 (MANE Select); coding-DNA position 431, G replaced by T.
Protein change: p.Arg144Leu; replaces arginine 144 with leucine.
Molecular consequence: missense variant. On other transcripts: 5 prime UTR variant (4), non-coding transcript variant (1).
Genome position (GRCh38, 1-based): chr9:95,485,838, C>A on the plus strand (G>T on the coding strand, the complement: PTCH1 is on the minus strand). VCF-style: chr9-95485838-C-A. GRCh37 (hg19) VCF-style: chr9-98248120-C-A.
Other names: c.233G>T, p.Arg78Leu (NM_001083602.3, NM_001354919.2); c.428G>T, p.Arg143Leu (NM_001083603.3); c.-23G>T (NM_001083604.3, NM_001083605.3, NM_001083606.3 and 1 more transcripts); c.431G>T, p.Arg144Leu (NM_001354918.2); short protein forms R143L, R144L, R78L.
Identifiers: ClinVar variation 961592 (VCV000961592.12), dbSNP rs1316474105, ClinGen allele CA374117219.

ClinVar aggregate classification (germline): Uncertain significance. Review status: criteria provided, multiple submitters, no conflicts (2 of 4 stars). 3 submissions from 3 submitters: Uncertain significance (3). Last evaluated 2025-10-08.

Conditions:
Gorlin syndrome. Also called: Basal cell nevus syndrome; Nevoid Basal Cell Carcinoma Syndrome. Identifiers: Orphanet 377, MedGen C0004779, MONDO:0007187.
Hereditary cancer-predisposing syndrome. Also called: Hereditary neoplastic syndrome; Tumor predisposition; Neoplastic Syndromes, Hereditary; Hereditary Cancer Syndrome. Identifiers: Orphanet 140162, MedGen C0027672, MeSH D009386, MONDO:0015356.

Submissions (3):

Helix
Classification: Uncertain significance for Gorlin syndrome. Last evaluated: 2025-10-08. Review status: criteria provided, single submitter. Criteria: ACMG Guidelines, 2015. Collection method: clinical testing. Allele origin: germline. Inheritance: Autosomal dominant inheritance.
Comment: This variant (NM_000264.5:c.431G>T p.Arg144Leu) results in the substitution of arginine with leucine at codon 144 in the PTCH1 protein. This variant is also known as NM_001083603.3:c.428G>T (p.Arg143Leu). It is a rare variant that is absent from the large gnomAD population database (v4.1). To our knowledge, this variant has not been reported in individuals with PTCH1-related conditions in the published literature. In silico prediction from SpliceAI (PMID: 30661751) suggests this variant may have an impact on splicing. In silico prediction from REVEL (PMID: 27666373) is indeterminate. This variant is present in ClinVar (Accession: VCV000961592.11). In conclusion, since the available evidence is limited, the clinical significance of this variant is unclear at this time. Therefore, it is classified as a Variant of Uncertain Significance.

Ambry Genetics
Classification: Uncertain significance for Hereditary cancer-predisposing syndrome. Last evaluated: 2023-05-26. Review status: criteria provided, single submitter. Criteria: Ambry Variant Classification Scheme 2023. Collection method: clinical testing. Allele origin: germline.
Comment: The p.R144L variant (also known as c.431G>T), located in coding exon 3 of the PTCH1 gene, results from a G to T substitution at nucleotide position 431. The arginine at codon 144 is replaced by leucine, an amino acid with dissimilar properties. This amino acid position is conserved. In addition, this alteration is predicted to be deleterious by in silico analysis. Since supporting evidence is limited at this time, the clinical significance of this alteration remains unclear.

Labcorp Genetics (formerly Invitae), Labcorp
Classification: Uncertain significance for Gorlin syndrome. Last evaluated: 2019-09-17. Review status: criteria provided, single submitter. Criteria: Invitae Variant Classification Sherloc (09022015). Collection method: clinical testing. Allele origin: germline.
Comment: In summary, the available evidence is currently insufficient to determine the role of this variant in disease. Therefore, it has been classified as a Variant of Uncertain Significance. Algorithms developed to predict the effect of missense changes on protein structure and function are either unavailable or do not agree on the potential impact of this missense change (SIFT: "Tolerated"; PolyPhen-2: "Possibly Damaging"; Align-GVGD: "Class C0"). This variant has not been reported in the literature in individuals with PTCH1-related conditions. This variant is not present in population databases (ExAC no frequency). This sequence change replaces arginine with leucine at codon 144 of the PTCH1 protein (p.Arg144Leu). The arginine residue is moderately conserved and there is a moderate physicochemical difference between arginine and leucine.